The following is an entry in ClinVar:

NM_000528.4(MAN2B1):c.2165+1G>A

Gene: MAN2B1 (mannosidase alpha class 2B member 1; minus strand). Cytogenetic location: 19p13.13.
Variant type: single nucleotide variant.
Coding change: c.2165+1G>A on transcript NM_000528.4 (MANE Select); the canonical splice donor site of the intron after coding-DNA position 2165, G replaced by A.
Molecular consequence: splice donor variant.
Genome position (GRCh38, 1-based): chr19:12,650,103, C>T on the plus strand (G>A on the coding strand, the complement: MAN2B1 is on the minus strand). VCF-style: chr19-12650103-C-T. GRCh37 (hg19) VCF-style: chr19-12760917-C-T.
Other names: c.2162+1G>A (NM_001173498.2).
Identifiers: ClinVar variation 21209 (VCV000021209.15), dbSNP rs80338679, ClinGen allele CA341736.
Genomic context (GRCh38, chr19:12,650,103, plus strand): 5'-AGCCTTGGATAAACCCCTCTGCCCTTGCTTCCACACCCCTCTCCCAGCCTGTGCCACTCA[C>T]CCCACAGGTATCGGCCCCACCGACCACTCTAGCTCCAGGTGCCGCTGTCCTGGGTACAGG-3'

ClinVar aggregate classification (germline): Pathogenic/Likely pathogenic. Review status: criteria provided, multiple submitters, no conflicts (2 of 4 stars). 5 submissions from 5 submitters: Pathogenic (2); Likely pathogenic (2). 1 of the submissions does not count toward it. Last evaluated 2025-08-29.

Conditions:
Deficiency of alpha-mannosidase (MANSA). Also called: Alpha-Mannosidosis; LYSOSOMAL ALPHA-D-MANNOSIDASE DEFICIENCY; Mannosidosis, alpha-, types I and II. Identifiers: Orphanet 61, MedGen C0024748, MONDO:0009561, OMIM 248500.

gnomAD v4.1: 1 of 1,613,124 alleles (0.000062%); no homozygotes.

Submissions (5):

Myriad Genetics, Inc.
Classification: Likely pathogenic for Deficiency of alpha-mannosidase. Last evaluated: 2025-08-29. Review status: criteria provided, single submitter. Criteria: Myriad Autosomal Dominant, Autosomal Recessive and X-Linked Classification Criteria (2023). Collection method: clinical testing. Allele origin: unknown.
Comment: NM_000528.3(MAN2B1):c.2165+1G>A is a variant in a canonical splice site classified as likely pathogenic in the context of alpha-mannosidosis. c.2165+1G>A has been observed in a case with relevant disease (PMID: 9915946). Relevant functional assessments of this variant are not available in the literature. c.2165+1G>A has not been observed in referenced population frequency databases. In summary, NM_000528.3(MAN2B1):c.2165+1G>A is a variant in a canonical splice site in a gene where loss of function is a known mechanism of disease, is predicted to disrupt protein function, and has been observed more frequently in cases with the relevant disease than in healthy populations. Please note: this variant was assessed in the context of healthy population screening.

Fulgent Genetics
Classification: Likely pathogenic for Deficiency of alpha-mannosidase. Last evaluated: 2024-05-09. Review status: criteria provided, single submitter. Criteria: ACMG Guidelines, 2015. Collection method: clinical testing. Allele origin: germline.

Labcorp Genetics (formerly Invitae), Labcorp
Classification: Pathogenic for Deficiency of alpha-mannosidase. Last evaluated: 2023-07-30. Review status: criteria provided, single submitter. Criteria: Invitae Variant Classification Sherloc (09022015). Collection method: clinical testing. Allele origin: germline.
Comment: This sequence change affects a donor splice site in intron 17 of the MAN2B1 gene. It is expected to disrupt RNA splicing. Variants that disrupt the donor or acceptor splice site typically lead to a loss of protein function (PMID: 16199547), and loss-of-function variants in MAN2B1 are known to be pathogenic (PMID: 9915946, 22161967). This variant is not present in population databases (gnomAD no frequency). Disruption of this splice site has been observed in individuals with alpha-mannosidosis (PMID: 9915946). ClinVar contains an entry for this variant (Variation ID: 21209). Studies have shown that disruption of this splice site is associated with altered splicing resulting in multiple RNA products (PMID: 9915946). This variant disrupts a region of the MAN2B1 protein in which other variant(s) (p.Trp714Arg) have been determined to be pathogenic (PMID: 9915946, 22161967). This suggests that this is a clinically significant region of the protein, and that variants that disrupt it are likely to be disease-causing. For these reasons, this variant has been classified as Pathogenic.

Genome-Nilou Lab
Classification: Pathogenic for Deficiency of alpha-mannosidase. Last evaluated: 2021-09-05. Review status: criteria provided, single submitter. Criteria: ACMG Guidelines, 2015. Collection method: clinical testing. Allele origin: germline. Affected: no.

GeneReviews
No classification provided. Condition: Deficiency of alpha-mannosidase. Review status: no classification provided. Collection method: literature only. Allele origin: unknown. Not counted in ClinVar's aggregate classification.

Literature cited by the submitters: PubMed 9915946 (cited by 3 submitters); PubMed 16199547 (cited by Labcorp Genetics (formerly Invitae), Labcorp); PubMed 22161967 (cited by Labcorp Genetics (formerly Invitae), Labcorp); PubMed 20301570 (cited by GeneReviews); NCBI Bookshelf NBK1396 (cited by GeneReviews).